The following is an entry in ClinVar:

ClinVar aggregate classification (germline): Conflicting classifications of pathogenicity. Review status: criteria provided, conflicting classifications (1 of 4 stars). 4 submissions from 4 submitters: Uncertain significance (3); Likely benign (1). Last evaluated 2026-07-20.

Conditions:
Gastrointestinal stromal tumor. Also called: Gastrointestinal stromal tumor, somatic; Gastrointestinal stroma tumor. Identifiers: Orphanet 44890, MedGen C0238198, MeSH D046152, MONDO:0011719, OMIM 606764, HP:0100723.
Piebaldism. Also called: Piebald skin depigmentation. Identifiers: Orphanet 2884, MedGen C0080024, MONDO:0008244, OMIM 172800, HP:0007544.
Cutaneous mastocytosis. Also called: MASTOCYTOSIS, MACULOPAPULAR CUTANEOUS. Identifiers: Orphanet 66646, MedGen C1136033, MONDO:0019023, OMIM 154800, HP:0200151.
Acute myeloid leukemia (AML). Also called: Leukemia, acute myeloid, somatic; Leukemia, acute myelogenous, somatic; Acute myeloid leukemia, adult; AML adult; Acute non-lymphocytic leukemia; Acute granulocytic leukemia. Identifiers: Orphanet 519, MedGen C0023467, MeSH D015470, MONDO:0018874, OMIM 601626, HP:0004808. Disease mechanism: Constitutively activated FLT3.
Germ cell tumor of testis (TGCT). Also called: Testicular germ cell tumor; GERM CELL TUMOR, SOMATIC. Identifiers: Orphanet 363504, MedGen C1336708, MONDO:0010108, OMIM 273300.
Hereditary cancer-predisposing syndrome. Also called: Neoplastic Syndromes, Hereditary; Hereditary neoplastic syndrome; Hereditary Cancer Syndrome; Tumor predisposition. Identifiers: Orphanet 140162, MedGen C0027672, MeSH D009386, MONDO:0015356.

Allele frequency attached by ClinVar (database versions not stated): gnomAD exomes below 0.00001 and 0.00001; ExAC 0.00001; gnomAD 0.00002; TOPMed 0.00002.
gnomAD v4.1: 11 of 1,614,140 alleles (0.00068%); highest among the groups gnomAD compares: African/African-American, 0.0013%; no homozygotes.

Submissions (4):

Ambry Genetics
Classification: Likely benign for Hereditary cancer-predisposing syndrome. Last evaluated: 2026-07-20. Review status: criteria provided, single submitter. Criteria: Ambry Variant Classification Scheme 2023. Collection method: clinical testing. Allele origin: germline.

Labcorp Genetics (formerly Invitae), Labcorp
Classification: Uncertain significance for Gastrointestinal stromal tumor. Last evaluated: 2026-01-28. Review status: criteria provided, single submitter. Criteria: Invitae Variant Classification Sherloc (09022015). Collection method: clinical testing. Allele origin: germline.
Comment: This sequence change replaces glutamic acid, which is acidic and polar, with aspartic acid, which is acidic and polar, at codon 53 of the KIT protein (p.Glu53Asp). This variant is present in population databases (rs749431345, gnomAD 0.002%). This variant has not been reported in the literature in individuals affected with KIT-related conditions. ClinVar contains an entry for this variant (Variation ID: 458880). An algorithm developed to predict the effect of missense changes on protein structure and function (PolyPhen-2) suggests that this variant is likely to be tolerated. In summary, the available evidence is currently insufficient to determine the role of this variant in disease. Therefore, it has been classified as a Variant of Uncertain Significance.

Fulgent Genetics
Classification: Uncertain significance for Cutaneous mastocytosis; Piebaldism; Germ cell tumor of testis; Acute myeloid leukemia; Gastrointestinal stromal tumor. Last evaluated: 2024-02-01. Review status: criteria provided, single submitter. Criteria: ACMG Guidelines, 2015. Collection method: clinical testing. Allele origin: germline.

GeneDx
Classification: Uncertain significance. Last evaluated: 2022-07-23. Review status: criteria provided, single submitter. Criteria: GeneDx Variant Classification Process June 2021. Collection method: clinical testing. Allele origin: germline. Affected: yes.
Comment: Not observed at significant frequency in large population cohorts (gnomAD); In silico analysis supports that this missense variant does not alter protein structure/function; Has not been previously published as pathogenic or benign to our knowledge

NM_000222.3(KIT):c.159G>C (p.Glu53Asp)

Gene: KIT (KIT proto-oncogene, receptor tyrosine kinase; plus strand). Cytogenetic location: 4q12.
Variant type: single nucleotide variant.
Coding change: c.159G>C on transcript NM_000222.3 (MANE Select); coding-DNA position 159, G replaced by C.
Protein change: p.Glu53Asp; replaces glutamic acid 53 with aspartic acid.
Molecular consequence: missense variant.
Genome position (GRCh38, 1-based): chr4:54,695,603, G>C. VCF-style: chr4-54695603-G-C. GRCh37 (hg19) VCF-style: chr4-55561769-G-C.
Other names: c.159G>C, p.Glu53Asp (NM_001093772.2, NM_001385284.1, NM_001385285.1 and 4 more transcripts); short protein forms E53D.
Identifiers: ClinVar variation 458880 (VCV000458880.17), dbSNP rs749431345, ClinGen allele CA2923178.